The following is an entry in ClinVar:

ClinVar aggregate classification (germline): Likely benign (1 of 4 stars; one submission).

gnomAD v4.1: 43 of 1,613,310 alleles (0.0027%); highest among the groups gnomAD compares: Non-Finnish European, 0.0036%; no homozygotes.

Submission:

CeGaT Center for Human Genetics Tuebingen
Classification: Likely benign. Last evaluated: 2024-10-01. Review status: criteria provided, single submitter. Criteria: CeGaT Center For Human Genetics Tuebingen Variant Classification Criteria Version 2. Collection method: clinical testing. Allele origin: germline. Affected: yes. Observed: 1 variant allele.
Comment: TET3: BP4, BP7

NM_001287491.2(TET3):c.4686A>G (p.Gly1562=)

Gene: TET3 (tet methylcytosine dioxygenase 3; plus strand). Cytogenetic location: 2p13.1.
Variant type: single nucleotide variant.
Coding change: c.4686A>G on transcript NM_001287491.2 (MANE Select); coding-DNA position 4686, A replaced by G.
Protein change: p.Gly1562=; no amino-acid change (glycine 1562 retained).
Molecular consequence: synonymous variant.
Genome position (GRCh38, 1-based): chr2:74,101,474, A>G. VCF-style: chr2-74101474-A-G. GRCh37 (hg19) VCF-style: chr2-74328601-A-G.
Other names: c.4407A>G, p.Gly1469= (NM_001366022.1).
Identifiers: ClinVar variation 3388735 (VCV003388735.14).